The following is an entry in ClinVar:

ClinVar aggregate classification (germline): Uncertain significance (1 of 4 stars; one submission).

gnomAD v4.1: 9 of 1,613,996 alleles (0.00056%); highest among the groups gnomAD compares: Non-Finnish European, 0.00068%; no homozygotes.

Submission:

Labcorp Genetics (formerly Invitae), Labcorp
Classification: Uncertain significance. Last evaluated: 2025-02-25. Review status: criteria provided, single submitter. Criteria: Invitae Variant Classification Sherloc (09022015). Collection method: clinical testing. Allele origin: germline.
Comment: This sequence change replaces arginine, which is basic and polar, with glutamine, which is neutral and polar, at codon 1318 of the SRCAP protein (p.Arg1318Gln). This variant is not present in population databases (gnomAD no frequency). This variant has not been reported in the literature in individuals affected with SRCAP-related conditions. Invitae Evidence Modeling of protein sequence and biophysical properties (such as structural, functional, and spatial information, amino acid conservation, physicochemical variation, residue mobility, and thermodynamic stability) indicates that this missense variant is not expected to disrupt SRCAP protein function with a negative predictive value of 80%. In summary, the available evidence is currently insufficient to determine the role of this variant in disease. Therefore, it has been classified as a Variant of Uncertain Significance.

NM_006662.3(SRCAP):c.3953G>A (p.Arg1318Gln)

Gene: SRCAP (Snf2 related CREBBP activator protein; plus strand). Cytogenetic location: 16p11.2.
Variant type: single nucleotide variant.
Coding change: c.3953G>A on transcript NM_006662.3 (MANE Select); coding-DNA position 3953, G replaced by A.
Protein change: p.Arg1318Gln; replaces arginine 1318 with glutamine.
Molecular consequence: missense variant.
Genome position (GRCh38, 1-based): chr16:30,723,023, G>A. VCF-style: chr16-30723023-G-A. GRCh37 (hg19) VCF-style: chr16-30734344-G-A.
Other names: short protein forms R1318Q.
Identifiers: ClinVar variation 4709433 (VCV004709433.1), dbSNP rs886051905.